The following is an entry in ClinVar:

NM_000391.4(TPP1):c.199G>C (p.Ala67Pro)

Gene: TPP1 (tripeptidyl peptidase 1; minus strand). Cytogenetic location: 11p15.4.
Variant type: single nucleotide variant.
Coding change: c.199G>C on transcript NM_000391.4 (MANE Select); coding-DNA position 199, G replaced by C.
Protein change: p.Ala67Pro; replaces alanine 67 with proline.
Molecular consequence: missense variant.
Genome position (GRCh38, 1-based): chr11:6,618,806, C>G on the plus strand (G>C on the coding strand, the complement: TPP1 is on the minus strand). VCF-style: chr11-6618806-C-G. GRCh37 (hg19) VCF-style: chr11-6640037-C-G.
Other names: short protein forms A67P.
Identifiers: ClinVar variation 941967 (VCV000941967.4), dbSNP rs762309607, ClinGen allele CA5859035.

ClinVar aggregate classification (germline): Uncertain significance (1 of 4 stars; one submission).

gnomAD v4.1: 2 of 1,614,010 alleles (0.00012%); highest among the groups gnomAD compares: Non-Finnish European, 0.00017%; no homozygotes.

Submission:

Labcorp Genetics (formerly Invitae), Labcorp
Classification: Uncertain significance. Last evaluated: 2021-09-01. Review status: criteria provided, single submitter. Criteria: Invitae Variant Classification Sherloc (09022015). Collection method: clinical testing. Allele origin: germline.
Comment: This sequence change replaces alanine with proline at codon 67 of the TPP1 protein (p.Ala67Pro). The alanine residue is highly conserved and there is a small physicochemical difference between alanine and proline. This variant is present in population databases (rs762309607, ExAC 0.01%). This variant has not been reported in the literature in individuals affected with TPP1-related conditions. Algorithms developed to predict the effect of missense changes on protein structure and function are either unavailable or do not agree on the potential impact of this missense change (SIFT: "Deleterious"; PolyPhen-2: "Possibly Damaging"; Align-GVGD: "Class C0"). In summary, the available evidence is currently insufficient to determine the role of this variant in disease. Therefore, it has been classified as a Variant of Uncertain Significance.